The following is an entry in ClinVar:

ClinVar aggregate classification (germline): Uncertain significance (1 of 4 stars; one submission).

Submission:

Labcorp Genetics (formerly Invitae), Labcorp
Classification: Uncertain significance. Last evaluated: 2025-03-27. Review status: criteria provided, single submitter. Criteria: Invitae Variant Classification Sherloc (09022015). Collection method: clinical testing. Allele origin: germline.
Comment: This sequence change falls in intron 2 of the APC2 gene. It does not directly change the encoded amino acid sequence of the APC2 protein. It affects a nucleotide within the consensus splice site. This variant is not present in population databases (gnomAD no frequency). This variant has not been reported in the literature in individuals affected with APC2-related conditions. Variants that disrupt the consensus splice site are a relatively common cause of aberrant splicing (PMID: 17576681, 9536098). Algorithms developed to predict the effect of sequence changes on RNA splicing suggest that this variant is not likely to affect RNA splicing. In summary, the available evidence is currently insufficient to determine the role of this variant in disease. Therefore, it has been classified as a Variant of Uncertain Significance.

Literature cited by the submitters: PubMed 17576681; PubMed 9536098.

NM_005883.3(APC2):c.142-3C>A

Gene: APC2 (APC regulator of Wnt signaling pathway 2; plus strand). Cytogenetic location: 19p13.3.
Variant type: single nucleotide variant.
Coding change: c.142-3C>A on transcript NM_005883.3 (MANE Select); 3 bases into the intron before coding-DNA position 142, C replaced by A.
Molecular consequence: intron variant.
Genome position (GRCh38, 1-based): chr19:1,453,244, C>A. VCF-style: chr19-1453244-C-A. GRCh37 (hg19) VCF-style: chr19-1453243-C-A.
Other names: c.142-3C>A (NM_001351273.1).
Identifiers: ClinVar variation 4716212 (VCV004716212.1).
Genomic context (GRCh38, chr19:1,453,244, plus strand): 5'-GGTGCCCCCCGGCAGCCCAGTGCAGTGGCTGATGGCTTCCCGCCCTCTTTCCCGCCCCTG[C>A]AGGAGGTCCTGAAGCACCTACAGGGAAAACTGGAGCAGGAGGCCCGAGTGCTGGTGTCCT-3'